The following is an entry in ClinVar:

ClinVar aggregate classification (germline): Uncertain significance. Review status: criteria provided, multiple submitters, no conflicts (2 of 4 stars). 2 submissions from 2 submitters: Uncertain significance (2). Last evaluated 2025-04-24.

Conditions:
Inborn genetic diseases. Identifiers: MedGen C0950123, MeSH D030342.
Hajdu-Cheney syndrome (HJCYS). Also called: SERPENTINE FIBULA-POLYCYSTIC KIDNEY SYNDROME; ACROOSTEOLYSIS WITH OSTEOPOROSIS AND CHANGES IN SKULL AND MANDIBLE; Acroosteolysis dominant type. Identifiers: Orphanet 955, MedGen C0917715, MONDO:0007057, OMIM 102500.

Allele frequency attached by ClinVar (database versions not stated): TOPMed 0.00001; gnomAD 0.00002; gnomAD exomes below 0.00001.
gnomAD v4.1: 6 of 1,613,960 alleles (0.00037%); highest among the groups gnomAD compares: African/African-American, 0.004%; no homozygotes.

Submissions (2):

Ambry Genetics
Classification: Uncertain significance for Inborn genetic diseases. Last evaluated: 2025-04-24. Review status: criteria provided, single submitter. Criteria: Ambry Variant Classification Scheme 2023. Collection method: clinical testing. Allele origin: germline.

Labcorp Genetics (formerly Invitae), Labcorp
Classification: Uncertain significance for Hajdu-Cheney syndrome. Last evaluated: 2024-02-24. Review status: criteria provided, single submitter. Criteria: Invitae Variant Classification Sherloc (09022015). Collection method: clinical testing. Allele origin: germline.
Comment: This sequence change replaces isoleucine, which is neutral and non-polar, with valine, which is neutral and non-polar, at codon 339 of the NOTCH2 protein (p.Ile339Val). This variant is not present in population databases (gnomAD no frequency). This variant has not been reported in the literature in individuals affected with NOTCH2-related conditions. ClinVar contains an entry for this variant (Variation ID: 1515180). Advanced modeling of protein sequence and biophysical properties (such as structural, functional, and spatial information, amino acid conservation, physicochemical variation, residue mobility, and thermodynamic stability) performed at Invitae indicates that this missense variant is not expected to disrupt NOTCH2 protein function with a negative predictive value of 95%. In summary, the available evidence is currently insufficient to determine the role of this variant in disease. Therefore, it has been classified as a Variant of Uncertain Significance.

NM_024408.4(NOTCH2):c.1015A>G (p.Ile339Val)

Gene: NOTCH2 (notch receptor 2; minus strand). Cytogenetic location: 1p12.
Variant type: single nucleotide variant.
Coding change: c.1015A>G on transcript NM_024408.4 (MANE Select); coding-DNA position 1015, A replaced by G.
Protein change: p.Ile339Val; replaces isoleucine 339 with valine.
Molecular consequence: missense variant.
Genome position (GRCh38, 1-based): chr1:119,969,604, T>C on the plus strand (A>G on the coding strand, the complement: NOTCH2 is on the minus strand). VCF-style: chr1-119969604-T-C. GRCh37 (hg19) VCF-style: chr1-120512227-T-C.
Other names: c.1015A>G (NM_024408.3); c.1015A>G, p.Ile339Val (NM_001200001.2); short protein forms I339V.
Identifiers: ClinVar variation 1515180 (VCV001515180.7), dbSNP rs1309062791, ClinGen allele CA341882762.